The following is an entry in ClinVar:

NM_144701.3(IL23R):c.1885A>G (p.Lys629Glu)

Gene: IL23R (interleukin 23 receptor; plus strand). Cytogenetic location: 1p31.3.
Variant type: single nucleotide variant.
Coding change: c.1885A>G on transcript NM_144701.3 (MANE Select); coding-DNA position 1885, A replaced by G.
Protein change: p.Lys629Glu; replaces lysine 629 with glutamic acid.
Molecular consequence: missense variant.
Genome position (GRCh38, 1-based): chr1:67,259,123, A>G. VCF-style: chr1-67259123-A-G. GRCh37 (hg19) VCF-style: chr1-67724806-A-G.
Other names: short protein forms K629E.
Identifiers: ClinVar variation 1981876 (VCV001981876.4), dbSNP rs2525563823, ClinGen allele CA340730186.

ClinVar aggregate classification (germline): Uncertain significance (1 of 4 stars; one submission).

Submission:

Labcorp Genetics (formerly Invitae), Labcorp
Classification: Uncertain significance. Last evaluated: 2024-11-19. Review status: criteria provided, single submitter. Criteria: Invitae Variant Classification Sherloc (09022015). Collection method: clinical testing. Allele origin: germline.
Comment: This sequence change replaces lysine, which is basic and polar, with glutamic acid, which is acidic and polar, at codon 629 of the IL23R protein (p.Lys629Glu). This variant is not present in population databases (gnomAD no frequency). This variant has not been reported in the literature in individuals affected with IL23R-related conditions. ClinVar contains an entry for this variant (Variation ID: 1981876). An algorithm developed to predict the effect of missense changes on protein structure and function outputs the following: PolyPhen-2: "Possibly Damaging". The glutamic acid amino acid residue is found in multiple mammalian species, which suggests that this missense change does not adversely affect protein function. In summary, the available evidence is currently insufficient to determine the role of this variant in disease. Therefore, it has been classified as a Variant of Uncertain Significance.